The following is an entry in ClinVar:

ClinVar aggregate classification (germline): Uncertain significance (1 of 4 stars; one submission).

Conditions:
Polyhydramnios, megalencephaly, and symptomatic epilepsy (PMSE). Also called: PMSE SYNDROME. Identifiers: Orphanet 500533, MedGen C1970203, MONDO:0012611, OMIM 611087.

Submission:

Labcorp Genetics (formerly Invitae), Labcorp
Classification: Uncertain significance for Polyhydramnios, megalencephaly, and symptomatic epilepsy. Last evaluated: 2020-08-07. Review status: criteria provided, single submitter. Criteria: Invitae Variant Classification Sherloc (09022015). Collection method: clinical testing. Allele origin: germline.
Comment: This sequence change replaces threonine with proline at codon 42 of the STRADA protein (p.Thr42Pro). The threonine residue is weakly conserved and there is a small physicochemical difference between threonine and proline. This variant is not present in population databases (ExAC no frequency). This variant has not been reported in the literature in individuals with STRADA-related conditions. Algorithms developed to predict the effect of missense changes on protein structure and function (SIFT, PolyPhen-2, Align-GVGD) all suggest that this variant is likely to be tolerated, but these predictions have not been confirmed by published functional studies and their clinical significance is uncertain. In summary, the available evidence is currently insufficient to determine the role of this variant in disease. Therefore, it has been classified as a Variant of Uncertain Significance.

NM_001003787.4(STRADA):c.124A>C (p.Thr42Pro)

Gene: STRADA (STE20 related adaptor alpha; minus strand). Cytogenetic location: 17q23.3.
Variant type: single nucleotide variant.
Coding change: c.124A>C on transcript NM_001003787.4 (MANE Select); coding-DNA position 124, A replaced by C.
Protein change: p.Thr42Pro; replaces threonine 42 with proline.
Molecular consequence: missense variant. On other transcripts: 5 prime UTR variant (3), non-coding transcript variant (1), intron variant (1).
Genome position (GRCh38, 1-based): chr17:63,714,108, T>G on the plus strand (A>C on the coding strand, the complement: STRADA is on the minus strand). VCF-style: chr17-63714108-T-G. GRCh37 (hg19) VCF-style: chr17-61791468-T-G.
Other names: c.13A>C, p.Thr5Pro (NM_001003786.3, NM_001363789.1, NM_153335.6); c.-51A>C (NM_001003788.3, NM_001363790.1, NM_001363791.1); c.37A>C, p.Thr13Pro (NM_001165969.2, NM_001363787.1); c.100A>C, p.Thr34Pro (NM_001363786.1); c.124A>C, p.Thr42Pro (NM_001363788.1); c.95-581A>C (NM_001165970.2); short protein forms T13P, T34P, T42P, T5P.
Identifiers: ClinVar variation 1017161 (VCV001017161.8), dbSNP rs2036691634, ClinGen allele CA400594478.